The following is an entry in ClinVar:

ClinVar aggregate classification (germline): Uncertain significance (1 of 4 stars; one submission).

Submission:

GeneDx
Classification: Uncertain significance. Last evaluated: 2024-09-10. Review status: criteria provided, single submitter. Criteria: GeneDx Variant Classification Process June 2021. Collection method: clinical testing. Allele origin: germline. Affected: yes.
Comment: Not observed at significant frequency in large population cohorts (gnomAD); In silico analysis indicates that this missense variant does not alter protein structure/function; Has not been previously published as pathogenic or benign to our knowledge

NM_024009.3(GJB3):c.793C>A (p.Pro265Thr)

Gene: GJB3 (gap junction protein beta 3; plus strand). Cytogenetic location: 1p34.3.
Variant type: single nucleotide variant.
Coding change: c.793C>A on transcript NM_024009.3 (MANE Select); coding-DNA position 793, C replaced by A.
Protein change: p.Pro265Thr; replaces proline 265 with threonine.
Molecular consequence: missense variant.
Genome position (GRCh38, 1-based): chr1:34,785,555, C>A. VCF-style: chr1-34785555-C-A. GRCh37 (hg19) VCF-style: chr1-35251156-C-A.
Other names: c.793C>A, p.Pro265Thr (NM_001005752.2); short protein forms P265T.
Identifiers: ClinVar variation 3767774 (VCV003767774.1).
Genomic context (GRCh38, chr1:34,785,555, plus strand): 5'-CTGGTGGAGGCTGGGGAGGTGGATCCAGACCCAGGCAATAACAAGCTGCAGGCTTCAGCA[C>A]CCAACCTGACCCCCATCTGACCACAGGGCAGGGGTGGGGCAACATGCGGGCTGCCAATGG-3'
Protein context (NP_076872.1, residues 255-270): PGNNKLQASA[Pro265Thr]NLTPI